The following is an entry in ClinVar:

NM_000937.5(POLR2A):c.3502A>C (p.Lys1168Gln)

Gene: POLR2A (RNA polymerase II subunit A; plus strand). Cytogenetic location: 17p13.1.
Variant type: single nucleotide variant.
Coding change: c.3502A>C on transcript NM_000937.5 (MANE Select); coding-DNA position 3502, A replaced by C.
Protein change: p.Lys1168Gln; replaces lysine 1168 with glutamine.
Molecular consequence: missense variant.
Genome position (GRCh38, 1-based): chr17:7,508,980, A>C. VCF-style: chr17-7508980-A-C. GRCh37 (hg19) VCF-style: chr17-7412299-A-C.
Other names: short protein forms K1168Q.
Identifiers: ClinVar variation 3731272 (VCV003731272.1).

ClinVar aggregate classification (germline): Uncertain significance (1 of 4 stars; one submission).

Submission:

GeneDx
Classification: Uncertain significance. Last evaluated: 2024-08-17. Review status: criteria provided, single submitter. Criteria: GeneDx Variant Classification Process June 2021. Collection method: clinical testing. Allele origin: germline. Affected: yes.
Comment: Not observed at significant frequency in large population cohorts (gnomAD); In silico analysis supports that this missense variant has a deleterious effect on protein structure/function; Has not been previously published as pathogenic or benign to our knowledge